The following is an entry in ClinVar:

ClinVar aggregate classification (germline): Uncertain significance (1 of 4 stars; one submission).

Allele frequency attached by ClinVar (database versions not stated): gnomAD exomes below 0.00001 and 0.00001; TOPMed below 0.00001; ExAC 0.00001.
gnomAD v4.1: 3 of 1,614,210 alleles (0.00019%); highest among the groups gnomAD compares: African/African-American, 0.0013%; no homozygotes.

Submission:

Labcorp Genetics (formerly Invitae), Labcorp
Classification: Uncertain significance. Last evaluated: 2024-10-22. Review status: criteria provided, single submitter. Criteria: Invitae Variant Classification Sherloc (09022015). Collection method: clinical testing. Allele origin: germline.
Comment: This sequence change replaces serine, which is neutral and polar, with asparagine, which is neutral and polar, at codon 472 of the C8A protein (p.Ser472Asn). This variant is present in population databases (rs756855302, gnomAD 0.01%). This variant has not been reported in the literature in individuals affected with C8A-related conditions. ClinVar contains an entry for this variant (Variation ID: 1471364). An algorithm developed to predict the effect of missense changes on protein structure and function outputs the following: PolyPhen-2: "Benign". The asparagine amino acid residue is found in multiple mammalian species, which suggests that this missense change does not adversely affect protein function. In summary, the available evidence is currently insufficient to determine the role of this variant in disease. Therefore, it has been classified as a Variant of Uncertain Significance.

NM_000562.3(C8A):c.1415G>A (p.Ser472Asn)

Gene: C8A (complement C8 alpha chain; plus strand). Cytogenetic location: 1p32.2.
Variant type: single nucleotide variant.
Coding change: c.1415G>A on transcript NM_000562.3 (MANE Select); coding-DNA position 1415, G replaced by A.
Protein change: p.Ser472Asn; replaces serine 472 with asparagine.
Molecular consequence: missense variant.
Genome position (GRCh38, 1-based): chr1:56,912,437, G>A. VCF-style: chr1-56912437-G-A. GRCh37 (hg19) VCF-style: chr1-57378110-G-A.
Other names: short protein forms S472N.
Identifiers: ClinVar variation 1471364 (VCV001471364.6), dbSNP rs756855302, ClinGen allele CA875381.
Genomic context (GRCh38, chr1:56,912,437, plus strand): 5'-GCCCTGTGTTCTTTCTGTGCCCACAGATGCAGCCTATCCACGAGGTGCTGCGGCACACAA[G>A]CCTGGGGCCTCTGGAGGCCAAGCGCCAGAACCTGCGCCGCGCCTTGGACCAGTATCTGAT-3'
Protein context (NP_000553.1, residues 462-482): QPIHEVLRHT[Ser472Asn]LGPLEAKRQN